The following is an entry in ClinVar:

ClinVar aggregate classification (germline): Uncertain significance (1 of 4 stars; one submission).

Conditions:
Hereditary cancer-predisposing syndrome. Also called: Tumor predisposition; Hereditary Cancer Syndrome; Hereditary neoplastic syndrome; Neoplastic Syndromes, Hereditary. Identifiers: Orphanet 140162, MedGen C0027672, MeSH D009386, MONDO:0015356.

Submission:

Ambry Genetics
Classification: Uncertain significance for Hereditary cancer-predisposing syndrome. Last evaluated: 2023-09-14. Review status: criteria provided, single submitter. Criteria: Ambry Variant Classification Scheme 2023. Collection method: clinical testing. Allele origin: germline.
Comment: The p.S77P variant (also known as c.229T>C), located in coding exon 2 of the PRKAR1A gene, results from a T to C substitution at nucleotide position 229. The serine at codon 77 is replaced by proline, an amino acid with similar properties. This amino acid position is conserved. In addition, this alteration is predicted to be deleterious by in silico analysis. Since supporting evidence is limited at this time, the clinical significance of this alteration remains unclear.

NM_002734.5(PRKAR1A):c.229T>C (p.Ser77Pro)

Gene: PRKAR1A (protein kinase cAMP-dependent type I regulatory subunit alpha; plus strand). Cytogenetic location: 17q24.2.
Variant type: single nucleotide variant.
Coding change: c.229T>C on transcript NM_002734.5 (MANE Select); coding-DNA position 229, T replaced by C.
Protein change: p.Ser77Pro; replaces serine 77 with proline.
Molecular consequence: missense variant.
Genome position (GRCh38, 1-based): chr17:68,522,807, T>C. VCF-style: chr17-68522807-T-C. GRCh37 (hg19) VCF-style: chr17-66518948-T-C.
Other names: c.229T>C, p.Ser77Pro (NM_001276289.2, NM_001276290.1, NM_001278433.2 and 4 more transcripts); short protein forms S77P.
Identifiers: ClinVar variation 2619348 (VCV002619348.2), dbSNP rs2085658228, ClinGen allele CA400752266.
Genomic context (GRCh38, chr17:68,522,807, plus strand): 5'-TTCTTTCAGGAGGAGGCAAAACAGATTCAGAATCTGCAGAAAGCAGGCACTCGTACAGAC[T>C]CAAGGGAGGATGAGATTTCTCCTCCTCCACCCAACCCAGTGGTTAAAGGTAGGAGGCGAC-3'
Protein context (NP_002725.1, residues 67-87): NLQKAGTRTD[Ser77Pro]REDEISPPPP